The following is an entry in ClinVar:

ClinVar aggregate classification (germline): Uncertain significance (1 of 4 stars; one submission).

Submission:

Labcorp Genetics (formerly Invitae), Labcorp
Classification: Uncertain significance. Last evaluated: 2025-06-24. Review status: criteria provided, single submitter. Criteria: Invitae Variant Classification Sherloc (09022015). Collection method: clinical testing. Allele origin: germline.
Comment: This sequence change replaces asparagine, which is neutral and polar, with aspartic acid, which is acidic and polar, at codon 419 of the PCDH15 protein (p.Asn419Asp). This variant is not present in population databases (gnomAD no frequency). This variant has not been reported in the literature in individuals affected with PCDH15-related conditions. Invitae Evidence Modeling of protein sequence and biophysical properties (such as structural, functional, and spatial information, amino acid conservation, physicochemical variation, residue mobility, and thermodynamic stability) indicates that this missense variant is not expected to disrupt PCDH15 protein function with a negative predictive value of 95%. In summary, the available evidence is currently insufficient to determine the role of this variant in disease. Therefore, it has been classified as a Variant of Uncertain Significance.

NM_001384140.1(PCDH15):c.1255A>G (p.Asn419Asp)

Gene: PCDH15 (protocadherin related 15; minus strand). Cytogenetic location: 10q21.1.
Variant type: single nucleotide variant.
Coding change: c.1255A>G on transcript NM_001384140.1 (MANE Select); coding-DNA position 1255, A replaced by G.
Protein change: p.Asn419Asp; replaces asparagine 419 with aspartic acid.
Molecular consequence: missense variant.
Genome position (GRCh38, 1-based): chr10:54,195,733, T>C on the plus strand (A>G on the coding strand, the complement: PCDH15 is on the minus strand). VCF-style: chr10-54195733-T-C. GRCh37 (hg19) VCF-style: chr10-55955493-T-C.
Other names: c.1270A>G, p.Asn424Asp (NM_001142763.2, NM_001142769.4, NM_001142771.2); c.1255A>G, p.Asn419Asp (NM_001142764.2, NM_001142765.2, NM_001142766.2 and 7 more transcripts); c.1144A>G, p.Asn382Asp (NM_001142767.2); c.1189A>G, p.Asn397Asp (NM_001142768.2, NM_001142773.2, NM_001354404.2); short protein forms N382D, N419D, N424D, N397D.
Identifiers: ClinVar variation 4771638 (VCV004771638.1).